The following is an entry in ClinVar:

NM_000455.5(STK11):c.588C>T (p.Gly196=)

Gene: STK11 (serine/threonine kinase 11; plus strand). Cytogenetic location: 19p13.3.
Variant type: single nucleotide variant.
Coding change: c.588C>T on transcript NM_000455.5 (MANE Select); coding-DNA position 588, C replaced by T.
Protein change: p.Gly196=; no amino-acid change (glycine 196 retained).
Molecular consequence: synonymous variant.
Genome position (GRCh38, 1-based): chr19:1,220,496, C>T. VCF-style: chr19-1220496-C-T. GRCh37 (hg19) VCF-style: chr19-1220495-C-T.
Identifiers: ClinVar variation 458054 (VCV000458054.30), dbSNP rs769309428, ClinGen allele CA048156.

ClinVar aggregate classification (germline): Conflicting classifications of pathogenicity. Review status: criteria provided, conflicting classifications (1 of 4 stars). 9 submissions from 9 submitters: Uncertain significance (1); Benign (1); Likely benign (7). Last evaluated 2026-01-11.

Conditions:
Familial pancreatic carcinoma. Identifiers: Orphanet 1333, MedGen C2931038, MONDO:0015278, OMIM 260350.
Peutz-Jeghers syndrome (PJS). Also called: Peutz-Jeghers polyposis; Periorificial lentiginosis syndrome; POLYPOSIS, HAMARTOMATOUS INTESTINAL; POLYPS-AND-SPOTS SYNDROME. Identifiers: Orphanet 2869, MedGen C0031269, MeSH D010580, MONDO:0008280, OMIM 175200.
Melanoma, cutaneous malignant, susceptibility to, 1 (CMM1). Also called: B-K MOLE SYNDROME; MELANOMA, MALIGNANT; DYSPLASTIC NEVUS SYNDROME, HEREDITARY; FAMILIAL ATYPICAL MOLE-MALIGNANT MELANOMA SYNDROME. Identifiers: Orphanet 618, MedGen C1835047, MONDO:0007963, OMIM 155600.
Germ cell tumor of testis (TGCT). Also called: Testicular germ cell tumor; GERM CELL TUMOR, SOMATIC. Identifiers: Orphanet 363504, MedGen C1336708, MONDO:0010108, OMIM 273300.
Hereditary cancer-predisposing syndrome. Also called: Hereditary neoplastic syndrome; Neoplastic Syndromes, Hereditary; Hereditary Cancer Syndrome; Tumor predisposition. Identifiers: Orphanet 140162, MedGen C0027672, MeSH D009386, MONDO:0015356.

Allele frequency attached by ClinVar (database versions not stated): TOPMed 0.00001; ExAC 0.00003; gnomAD exomes 0.00003.
gnomAD v4.1: 12 of 1,603,842 alleles (0.00075%); highest among the groups gnomAD compares: Admixed American, 0.0034%; no homozygotes.

Submissions (9):

Labcorp Genetics (formerly Invitae), Labcorp
Classification: Likely benign for Peutz-Jeghers syndrome. Last evaluated: 2026-01-11. Review status: criteria provided, single submitter. Criteria: Invitae Variant Classification Sherloc (09022015). Collection method: clinical testing. Allele origin: germline.

CeGaT Center for Human Genetics Tuebingen
Classification: Likely benign. Last evaluated: 2025-08-01. Review status: criteria provided, single submitter. Criteria: CeGaT Center For Human Genetics Tuebingen Variant Classification Criteria Version 2. Collection method: clinical testing. Allele origin: germline. Affected: yes. Observed: 1 variant allele.
Comment: STK11: BP4, BP7

Myriad Genetics, Inc.
Classification: Benign for Peutz-Jeghers syndrome. Last evaluated: 2025-03-26. Review status: criteria provided, single submitter. Criteria: Myriad Autosomal Dominant, Autosomal Recessive and X-Linked Classification Criteria (2023). Collection method: clinical testing. Allele origin: unknown.
Comment: This variant is considered benign. This variant is a silent/synonymous amino acid change and it is not expected to impact splicing.

All of Us Research Program, National Institutes of Health
Classification: Likely benign for Peutz-Jeghers syndrome. Last evaluated: 2024-01-11. Review status: criteria provided, single submitter. Criteria: ACMG Guidelines, 2015. Collection method: clinical testing. Allele origin: germline. Inheritance: Autosomal dominant inheritance. Observed: 5 variant alleles, 5 heterozygotes.
Comment: This study involves interpretation of variants in research participants for the purpose of population health screening. Participant phenotype was not available at the time of variant classification. Additional details can be found in publication PMID: 35346344, PMCID: PMC8962531

Sema4
Classification: Likely benign for Hereditary cancer-predisposing syndrome. Last evaluated: 2021-04-20. Review status: criteria provided, single submitter. Criteria: Sema4 Curation Guidelines. Collection method: curation. Allele origin: germline.

Women's Health and Genetics/Laboratory Corporation of America, LabCorp
Classification: Likely benign. Last evaluated: 2021-01-08. Review status: criteria provided, single submitter. Criteria: LabCorp Variant Classification Summary - May 2015. Collection method: clinical testing. Allele origin: germline.

Department of Pathology and Laboratory Medicine, Sinai Health System
Classification: Uncertain significance for Melanoma, cutaneous malignant, susceptibility to, 1; Peutz-Jeghers syndrome; Familial pancreatic carcinoma; Germ cell tumor of testis. Last evaluated: 2020-01-30. Review status: criteria provided, single submitter. Criteria: ACMG Guidelines, 2015. Collection method: clinical testing. Allele origin: germline. Affected: no.

Ambry Genetics
Classification: Likely benign for Hereditary cancer-predisposing syndrome. Last evaluated: 2015-07-01. Review status: criteria provided, single submitter. Criteria: Ambry Variant Classification Scheme 2023. Collection method: clinical testing. Allele origin: germline.

Color Diagnostics, LLC DBA Color Health
Classification: Likely benign for Hereditary cancer-predisposing syndrome. Last evaluated: 2015-04-20. Review status: criteria provided, single submitter. Criteria: ACMG Guidelines, 2015. Collection method: clinical testing. Allele origin: germline.